The following is an entry in ClinVar:

NM_001159699.2(FHL1):c.139T>C (p.Cys47Arg)

Gene: FHL1 (four and a half LIM domains 1; plus strand). Cytogenetic location: Xq26.3.
Variant type: single nucleotide variant.
Coding change: c.139T>C on transcript NM_001159699.2 (MANE Select); coding-DNA position 139, T replaced by C.
Protein change: p.Cys47Arg; replaces cysteine 47 with arginine.
Molecular consequence: missense variant. On other transcripts: non-coding transcript variant (1).
Genome position (GRCh38, 1-based): chrX:136,206,523, T>C. VCF-style: chrX-136206523-T-C. GRCh37 (hg19) VCF-style: chrX-135288682-T-C.
Other names: c.91T>C, p.Cys31Arg (NM_001159700.2, NM_001159702.3, NM_001159703.2 and 9 more transcripts); c.178T>C, p.Cys60Arg (NM_001159701.2); c.139T>C, p.Cys47Arg (NM_001330659.2); short protein forms C31R, C47R, C60R.
Identifiers: ClinVar variation 1719871 (VCV001719871.5), dbSNP rs2521249141, ClinGen allele CA414607712.

ClinVar aggregate classification (germline): Uncertain significance (1 of 4 stars; one submission).

Conditions:
X-linked myopathy with postural muscle atrophy. Also called: FHL1-Related Emery-Dreifuss Muscular Dystrophy, X-Linked. Identifiers: Orphanet 178461, MedGen C2678055, MONDO:0010401, OMIM 300696.

Submission:

Labcorp Genetics (formerly Invitae), Labcorp
Classification: Uncertain significance for X-linked myopathy with postural muscle atrophy. Last evaluated: 2022-09-20. Review status: criteria provided, single submitter. Criteria: Invitae Variant Classification Sherloc (09022015). Collection method: clinical testing. Allele origin: germline.
Comment: In summary, the available evidence is currently insufficient to determine the role of this variant in disease. Therefore, it has been classified as a Variant of Uncertain Significance. Algorithms developed to predict the effect of missense changes on protein structure and function (SIFT, PolyPhen-2, Align-GVGD) all suggest that this variant is likely to be disruptive. This variant has not been reported in the literature in individuals affected with FHL1-related conditions. This variant is not present in population databases (gnomAD no frequency). This sequence change replaces cysteine, which is neutral and slightly polar, with arginine, which is basic and polar, at codon 31 of the FHL1 protein (p.Cys31Arg).